The following is an entry in ClinVar:

ClinVar aggregate classification (germline): Uncertain significance (1 of 4 stars; one submission).

Submission:

Labcorp Genetics (formerly Invitae), Labcorp
Classification: Uncertain significance. Last evaluated: 2024-04-10. Review status: criteria provided, single submitter. Criteria: Invitae Variant Classification Sherloc (09022015). Collection method: clinical testing. Allele origin: germline.
Comment: This sequence change replaces asparagine, which is neutral and polar, with aspartic acid, which is acidic and polar, at codon 827 of the NEXMIF protein (p.Asn827Asp). This variant is not present in population databases (gnomAD no frequency). This variant has not been reported in the literature in individuals affected with NEXMIF-related conditions. An algorithm developed to predict the effect of missense changes on protein structure and function (PolyPhen-2) suggests that this variant is likely to be disruptive. In summary, the available evidence is currently insufficient to determine the role of this variant in disease. Therefore, it has been classified as a Variant of Uncertain Significance.

NM_001008537.3(NEXMIF):c.2479A>G (p.Asn827Asp)

Gene: NEXMIF (neurite extension and migration factor; minus strand). Cytogenetic location: Xq13.3.
Variant type: single nucleotide variant.
Coding change: c.2479A>G on transcript NM_001008537.3 (MANE Select); coding-DNA position 2479, A replaced by G.
Protein change: p.Asn827Asp; replaces asparagine 827 with aspartic acid.
Molecular consequence: missense variant.
Genome position (GRCh38, 1-based): chrX:74,742,078, T>C on the plus strand (A>G on the coding strand, the complement: NEXMIF is on the minus strand). VCF-style: chrX-74742078-T-C. GRCh37 (hg19) VCF-style: chrX-73961913-T-C.
Other names: short protein forms N827D.
Identifiers: ClinVar variation 3647421 (VCV003647421.2).